The following is an entry in ClinVar:

NM_005677.4(COLQ):c.282G>A (p.Met94Ile)

Gene: COLQ (collagen like tail subunit of asymmetric acetylcholinesterase; minus strand). Cytogenetic location: 3p25.1.
Variant type: single nucleotide variant.
Coding change: c.282G>A on transcript NM_005677.4 (MANE Select); coding-DNA position 282, G replaced by A.
Protein change: p.Met94Ile; replaces methionine 94 with isoleucine.
Molecular consequence: missense variant. On other transcripts: intron variant (1).
Genome position (GRCh38, 1-based): chr3:15,488,245, C>T on the plus strand (G>A on the coding strand, the complement: COLQ is on the minus strand). VCF-style: chr3-15488245-C-T. GRCh37 (hg19) VCF-style: chr3-15529752-C-T.
Other names: c.252G>A, p.Met84Ile (NM_080538.2); c.219+1280G>A (NM_080539.4); short protein forms M94I, M84I.
Identifiers: ClinVar variation 1476231 (VCV001476231.5), dbSNP rs764250328, ClinGen allele CA2276263.

ClinVar aggregate classification (germline): Uncertain significance (1 of 4 stars; one submission).

Conditions:
Congenital myasthenic syndrome 5. Identifiers: Orphanet 590, MedGen C1864233, MONDO:0011281, OMIM 603034.

Allele frequency attached by ClinVar (database versions not stated): gnomAD exomes 0.00001 and 0.00002; ExAC 0.00003.
gnomAD v4.1: 16 of 1,613,472 alleles (0.00099%); highest among the groups gnomAD compares: Middle Eastern, 0.017%; no homozygotes.

Submission:

Labcorp Genetics (formerly Invitae), Labcorp
Classification: Uncertain significance for Congenital myasthenic syndrome 5. Last evaluated: 2022-10-13. Review status: criteria provided, single submitter. Criteria: Invitae Variant Classification Sherloc (09022015). Collection method: clinical testing. Allele origin: germline.
Comment: In summary, the available evidence is currently insufficient to determine the role of this variant in disease. Therefore, it has been classified as a Variant of Uncertain Significance. Advanced modeling of protein sequence and biophysical properties (such as structural, functional, and spatial information, amino acid conservation, physicochemical variation, residue mobility, and thermodynamic stability) performed at Invitae indicates that this missense variant is not expected to disrupt COLQ protein function. ClinVar contains an entry for this variant (Variation ID: 1476231). This variant has not been reported in the literature in individuals affected with COLQ-related conditions. This variant is present in population databases (rs764250328, gnomAD 0.004%), including at least one homozygous and/or hemizygous individual. This sequence change replaces methionine, which is neutral and non-polar, with isoleucine, which is neutral and non-polar, at codon 94 of the COLQ protein (p.Met94Ile).